The following is an entry in ClinVar:

NM_001605.3(AARS1):c.2086G>A (p.Val696Ile)

Gene: AARS1 (alanyl-tRNA synthetase 1; minus strand). Cytogenetic location: 16q22.1.
Variant type: single nucleotide variant.
Coding change: c.2086G>A on transcript NM_001605.3 (MANE Select); coding-DNA position 2086, G replaced by A.
Protein change: p.Val696Ile; replaces valine 696 with isoleucine.
Molecular consequence: missense variant.
Genome position (GRCh38, 1-based): chr16:70,258,124, C>T on the plus strand (G>A on the coding strand, the complement: AARS1 is on the minus strand). VCF-style: chr16-70258124-C-T. GRCh37 (hg19) VCF-style: chr16-70292027-C-T.
Other names: short protein forms V696I.
Identifiers: ClinVar variation 4750464 (VCV004750464.1).

ClinVar aggregate classification (germline): Uncertain significance (1 of 4 stars; one submission).

Conditions:
Charcot-Marie-Tooth disease type 2. Also called: Charcot-Marie-Tooth type 2. Identifiers: Orphanet 64746, MedGen C0270914, MONDO:0018993.

Submission:

Labcorp Genetics (formerly Invitae), Labcorp
Classification: Uncertain significance for Charcot-Marie-Tooth disease type 2. Last evaluated: 2025-12-26. Review status: criteria provided, single submitter. Criteria: Invitae Variant Classification Sherloc (09022015). Collection method: clinical testing. Allele origin: germline.
Comment: This sequence change replaces valine, which is neutral and non-polar, with isoleucine, which is neutral and non-polar, at codon 696 of the AARS protein (p.Val696Ile). The frequency data for this variant in the population databases is considered unreliable, as metrics indicate poor data quality at this position in the gnomAD database. This variant has not been reported in the literature in individuals affected with AARS-related conditions. Invitae Evidence Modeling of protein sequence and biophysical properties (such as structural, functional, and spatial information, amino acid conservation, physicochemical variation, residue mobility, and thermodynamic stability) indicates that this missense variant is not expected to disrupt AARS protein function with a negative predictive value of 95%. In summary, the available evidence is currently insufficient to determine the role of this variant in disease. Therefore, it has been classified as a Variant of Uncertain Significance.